The following is an entry in ClinVar:

ClinVar aggregate classification (germline): Likely benign (1 of 4 stars; one submission).

gnomAD v4.1: 3 of 1,613,812 alleles (0.00019%); highest among the groups gnomAD compares: Non-Finnish European, 0.00025%; no homozygotes.

Submission:

CeGaT Center for Human Genetics Tuebingen
Classification: Likely benign. Last evaluated: 2026-04-01. Review status: criteria provided, single submitter. Criteria: CeGaT Center For Human Genetics Tuebingen Variant Classification Criteria Version 2. Collection method: clinical testing. Allele origin: germline. Affected: yes. Observed: 1 variant allele.
Comment: SPRED2: BP4, BP7

NM_181784.3(SPRED2):c.480G>A (p.Glu160=)

Gene: SPRED2 (sprouty related EVH1 domain containing 2; minus strand). Cytogenetic location: 2p14.
Variant type: single nucleotide variant.
Coding change: c.480G>A on transcript NM_181784.3 (MANE Select); coding-DNA position 480, G replaced by A.
Protein change: p.Glu160=; no amino-acid change (glutamic acid 160 retained).
Molecular consequence: synonymous variant.
Genome position (GRCh38, 1-based): chr2:65,316,842, C>T on the plus strand (G>A on the coding strand, the complement: SPRED2 is on the minus strand). VCF-style: chr2-65316842-C-T. GRCh37 (hg19) VCF-style: chr2-65543976-C-T.
Other names: c.471G>A, p.Glu157= (NM_001128210.2).
Identifiers: ClinVar variation 4873783 (VCV004873783.2).
Genomic context (GRCh38, chr2:65,316,842, plus strand): 5'-CAGGGTATAAATCCTCCGGTGCTCACAGGATGTGGGAGAGGAGATTGTCCGAGTAGGTTG[C>T]TCTCTCTTCTGAGAGGAATTAGAAGAACTGTCTGTAGCTGTCTGTGTAGAGGGAGGTAAC-3'
Protein context (NP_861449.2, residues 150-170): DSSSNSSQKR[Glu160=]QPTRTISSPT